The following is an entry in ClinVar:

ClinVar aggregate classification (germline): Uncertain significance (1 of 4 stars; one submission).

Allele frequency attached by ClinVar (database versions not stated): gnomAD exomes below 0.00001.
gnomAD v4.1: 1 of 1,613,568 alleles (0.000062%); highest among the groups gnomAD compares: Non-Finnish European, 0.000085%; no homozygotes.

Submission:

Labcorp Genetics (formerly Invitae), Labcorp
Classification: Uncertain significance. Last evaluated: 2022-08-22. Review status: criteria provided, single submitter. Criteria: Invitae Variant Classification Sherloc (09022015). Collection method: clinical testing. Allele origin: germline.
Comment: In summary, the available evidence is currently insufficient to determine the role of this variant in disease. Therefore, it has been classified as a Variant of Uncertain Significance. Algorithms developed to predict the effect of missense changes on protein structure and function are either unavailable or do not agree on the potential impact of this missense change (SIFT: "Tolerated"; PolyPhen-2: "Possibly Damaging"; Align-GVGD: "Class C0"). ClinVar contains an entry for this variant (Variation ID: 1439287). This variant has not been reported in the literature in individuals affected with PCSK1-related conditions. This variant is present in population databases (no rsID available, gnomAD 0.0009%). This sequence change replaces isoleucine, which is neutral and non-polar, with valine, which is neutral and non-polar, at codon 513 of the PCSK1 protein (p.Ile513Val).

NM_000439.5(PCSK1):c.1537A>G (p.Ile513Val)

Genes: CAST (calpastatin; plus strand), PCSK1 (proprotein convertase subtilisin/kexin type 1; minus strand), LOC101929710 (uncharacterized LOC101929710; plus strand). Cytogenetic location: 5q15.
Variant type: single nucleotide variant.
Coding change: c.1537A>G on transcript NM_000439.5 (MANE Select); coding-DNA position 1537, A replaced by G.
Protein change: p.Ile513Val; replaces isoleucine 513 with valine.
Molecular consequence: missense variant.
Genome position (GRCh38, 1-based): chr5:96,398,930, T>C on the plus strand (A>G on the coding strand, the complement: PCSK1 is on the minus strand). VCF-style: chr5-96398930-T-C. GRCh37 (hg19) VCF-style: chr5-95734634-T-C.
Other names: c.1396A>G, p.Ile466Val (NM_001177875.2); short protein forms I466V, I513V.
Identifiers: ClinVar variation 1439287 (VCV001439287.8), dbSNP rs1369056991, ClinGen allele CA360478952.